The following is an entry in ClinVar:

NM_006267.5(RANBP2):c.428G>T (p.Gly143Val)

Gene: RANBP2 (RAN binding protein 2; plus strand). Cytogenetic location: 2q13.
Variant type: single nucleotide variant.
Coding change: c.428G>T on transcript NM_006267.5 (MANE Select); coding-DNA position 428, G replaced by T.
Protein change: p.Gly143Val; replaces glycine 143 with valine.
Molecular consequence: missense variant.
Genome position (GRCh38, 1-based): chr2:108,735,554, G>T. VCF-style: chr2-108735554-G-T. GRCh37 (hg19) VCF-style: chr2-109352010-G-T.
Other names: c.428G>T, p.Gly143Val (NM_001415871.1, NM_001415873.1); c.425G>T, p.Gly142Val (NM_001415872.1); short protein forms G142V, G143V.
Identifiers: ClinVar variation 5019849 (VCV005019849.2).

ClinVar aggregate classification (germline): Uncertain significance (1 of 4 stars; one submission).

Conditions:
Familial acute necrotizing encephalopathy (IIAE3). Also called: ENCEPHALOPATHY, ACUTE, INFECTION-INDUCED, SUSCEPTIBILITY TO, 3; Susceptibility to Acute Necrotizing Encephalopathy 1. Identifiers: Orphanet 88619, MedGen C2675556, MONDO:0011953, OMIM 608033.

Submission:

Juno Genomics, Hangzhou Juno Genomics, Inc
Classification: Uncertain significance for Familial acute necrotizing encephalopathy. Review status: criteria provided, single submitter. Criteria: ACMG Guidelines, 2015. Collection method: clinical testing. Allele origin: germline.
Comment: Absent from controls (or at extremely low frequency if recessive) in Genome Aggregation Database.;Missense variant in a gene that has a low rate of benign missense variation.